The following is an entry in ClinVar:

ClinVar aggregate classification (germline): Uncertain significance. Review status: criteria provided, multiple submitters, no conflicts (2 of 4 stars). 2 submissions from 2 submitters: Uncertain significance (2). Last evaluated 2025-05-15.

Conditions:
SDCCAG8-related disorder. Also called: SDCCAG8-Related Disorders; SDCCAG8-related condition.

Submissions (2):

PreventionGenetics, part of Exact Sciences
Classification: Uncertain significance for SDCCAG8-related condition. Last evaluated: 2025-05-15. Review status: criteria provided, single submitter. Criteria: ACMG Guidelines, 2015. Collection method: clinical testing. Allele origin: germline.
Comment: The SDCCAG8 c.2071_2072delAG variant is predicted to result in a frameshift and premature protein termination (p.Arg691Alafs*21). To our knowledge, this variant has not been reported in the literature, and there are no documented causative variants downstream of the p.Arg691Alafs*21 variant identified in this individual. This variant is reported in 0.0029% of alleles in individuals of Latino descent in gnomAD. Although we suspect that this variant may be pathogenic, at this time, the clinical significance of this variant is uncertain due to the absence of conclusive functional and genetic evidence.

Women's Health and Genetics/Laboratory Corporation of America, LabCorp
Classification: Uncertain significance. Last evaluated: 2022-10-03. Review status: criteria provided, single submitter. Criteria: LabCorp Variant Classification Summary - May 2015. Collection method: clinical testing. Allele origin: germline.
Comment: Variant summary: SDCCAG8 c.2071_2072delAG (p.Arg691AlafsX21) results in a premature termination codon in the penultimate exon, and is not expected to result in nonsense mediated decay (NMD), but predicted to cause a truncation of the encoded protein, removing a part of the 713 amino acid long protein (and mostly replacing it with an incorrect sequence). No truncations downstream of this position have been reported in affected individuals (HGMD). The variant allele was found at a frequency of 4e-06 in 249672 control chromosomes (gnomAD). To our knowledge, no occurrence of c.2071_2072delAG in individuals affected with Bardet-Biedl Syndrome and no experimental evidence demonstrating its impact on protein function have been reported. No clinical diagnostic laboratories have submitted clinical-significance assessments for this variant to ClinVar after 2014. Based on the evidence outlined above, the variant was classified as uncertain significance.

NM_006642.5(SDCCAG8):c.2071_2072del (p.Arg691fs)

Genes: AKT3 (AKT serine/threonine kinase 3; minus strand), SDCCAG8 (SHH signaling and ciliogenesis regulator SDCCAG8; plus strand). Cytogenetic location: 1q43.
Variant type: Microsatellite.
Coding change: c.2071_2072del on transcript NM_006642.5 (MANE Select); coding-DNA positions 2071 to 2072, 2 bases deleted (AG; older notation c.2071_2072delAG).
Protein change: p.Arg691fs; shifts the reading frame from arginine 691.
Molecular consequence: frameshift variant. On other transcripts: intron variant (1).
Genome position (GRCh38, 1-based): chr1:243,489,099-243,489,100, AG deleted; deleting any 2 consecutive bases within chr1:243,489,096-243,489,100 gives the same sequence; the c. name uses the placement nearest the transcript's 3' end. VCF-style (leftmost placement, unchanged base first): chr1-243489095-GGA-G. GRCh37 (hg19) VCF-style: chr1-243652397-GGA-G.
Other names: c.1168_1169del, p.Arg390fs (NM_001350246.2, NM_001350247.2, NM_001350251.2); c.2167_2168del, p.Arg723fs (NM_001350248.2); c.1777_1778del, p.Arg593fs (NM_001350249.2); c.*7-647_*7-646del (NM_181690.2); short protein forms R390fs, R593fs, R691fs, R723fs.
Identifiers: ClinVar variation 1723386 (VCV001723386.2), dbSNP rs765785386, ClinGen allele CA1483826.
Genomic context (GRCh38, chr1:243,489,095, plus strand): 5'-CAGCCAGGCCACAGCCCAGCAGCTGGTGCAGCTCCTCAGCAAGCAGAACCAGCTTCTCCT[GGA>G]GAGGCAGAGCCTGTCGGAAGAGGTGGACCGGCTGCGGACCCAGGTACTGTGCAGAACGCG-3'